The following is an entry in ClinVar:

NM_000360.4(TH):c.778del (p.Arg260fs)

Gene: TH (tyrosine hydroxylase; minus strand). Cytogenetic location: 11p15.5.
Variant type: Deletion.
Coding change: c.778del on transcript NM_000360.4 (MANE Select); coding-DNA position 778, one base deleted (C; older notation c.778delC).
Protein change: p.Arg260fs; shifts the reading frame from arginine 260.
Molecular consequence: frameshift variant.
Genome position (GRCh38, 1-based): chr11:2,166,950, G deleted on the plus strand (C on the coding strand, the reverse complement: TH is on the minus strand). VCF-style (leftmost placement, unchanged base first): chr11-2166949-CG-C. GRCh37 (hg19) VCF-style: chr11-2188179-CG-C.
Other names: c.871del, p.Arg291fs (NM_199292.3); c.859del, p.Arg287fs (NM_199293.3); short protein forms R291fs, R260fs, R287fs.
Identifiers: ClinVar variation 2033133 (VCV002033133.4), dbSNP rs2495805791, ClinGen allele CA2580082589.

ClinVar aggregate classification (germline): Pathogenic (1 of 4 stars; one submission).

Conditions:
TH-deficient dopa-responsive dystonia. Also called: Tyrosine Hydroxylase-Deficient Dopa-Responsive Dystonia; Segawa syndrome, autosomal recessive; DYT-TH. Identifiers: Orphanet 101150, MedGen C2673535, MONDO:0011551, OMIM 605407.

Submission:

Labcorp Genetics (formerly Invitae), Labcorp
Classification: Pathogenic for TH-deficient dopa-responsive dystonia. Last evaluated: 2022-09-28. Review status: criteria provided, single submitter. Criteria: Invitae Variant Classification Sherloc (09022015). Collection method: clinical testing. Allele origin: germline.
Comment: For these reasons, this variant has been classified as Pathogenic. This variant has not been reported in the literature in individuals affected with TH-related conditions. This variant is not present in population databases (gnomAD no frequency). This sequence change creates a premature translational stop signal (p.Arg291Alafs*20) in the TH gene. It is expected to result in an absent or disrupted protein product. Loss-of-function variants in TH are known to be pathogenic (PMID: 22264700, 24753243).

Literature cited by the submitters: PubMed 22264700; PubMed 24753243.